The following is an entry in ClinVar:

ClinVar aggregate classification (germline): Pathogenic (1 of 4 stars; one submission).

Submission:

GeneDx
Classification: Pathogenic. Last evaluated: 2018-01-05. Review status: criteria provided, single submitter. Criteria: GeneDx Variant Classification (06012015). Collection method: clinical testing. Allele origin: germline. Affected: yes.
Comment: The c.537dupT mutation in the JAG1 gene is predicted to cause loss of normal protein function either through protein truncation or nonsense-mediated mRNA decay. The c.537dupT mutationwas not observed in approximately 6,500 individuals of European and African American ancestry in the NHLBI Exome Sequencing Project, indicating it is not a common benign variant in these populations. Nonsense and frameshift mutations in nearby residues (Q172X, c.518_521dupACAC) have been reported in the Human Gene Mutation Database in association with Alagille syndrome (Stenson et al., 2014). This mutation has not been reported previously to our knowledge.

NM_000214.3(JAG1):c.537dup (p.Glu180Ter)

Gene: JAG1 (jagged canonical Notch ligand 1; minus strand). Cytogenetic location: 20p12.2.
Variant type: Duplication.
Coding change: c.537dup on transcript NM_000214.3 (MANE Select); coding-DNA position 537, one base duplicated (T; older notation c.537dupT).
Protein change: p.Glu180Ter; replaces glutamic acid 180 with a stop codon.
Molecular consequence: nonsense.
Genome position (GRCh38, 1-based): chr20:10,658,625, A duplicated on the plus strand (T on the coding strand, the reverse complement: JAG1 is on the minus strand); the first of 3 consecutive A bases (chr20:10,658,625-10,658,627); duplicating any one gives the same sequence. VCF-style (leftmost placement, unchanged base first): chr20-10658624-C-CA. GRCh37 (hg19) VCF-style: chr20-10639272-C-CA.
Other names: c.537dup, p.Glu180Ter (LRG_1191t1); short protein forms E180*.
Identifiers: ClinVar variation 213549 (VCV000213549.2), dbSNP rs863223663, ClinGen allele CA320746.
Genomic context (GRCh38, chr20:10,658,624, plus strand): 5'-AGAACTTATTGCAGCCAAAGCCATAGTAGTAGTCATCACAGGTCACGCGGATCTGATACT[C>CA]AAAGTGGGCAACGCCCGTGTTCTGCTTCAGCGTCTGCCACTGCCGGCTGGGGTTGATCAT-3'